The following is an entry in ClinVar:

ClinVar aggregate classification (germline): Uncertain significance (1 of 4 stars; one submission).

Allele frequency attached by ClinVar (database versions not stated): gnomAD exomes below 0.00001.
gnomAD v4.1: 4 of 1,613,922 alleles (0.00025%); highest among the groups gnomAD compares: Non-Finnish European, 0.00034%; no homozygotes.

Submission:

Labcorp Genetics (formerly Invitae), Labcorp
Classification: Uncertain significance. Last evaluated: 2022-10-16. Review status: criteria provided, single submitter. Criteria: Invitae Variant Classification Sherloc (09022015). Collection method: clinical testing. Allele origin: germline.
Comment: This sequence change replaces methionine, which is neutral and non-polar, with isoleucine, which is neutral and non-polar, at codon 642 of the DSG1 protein (p.Met642Ile). This variant is not present in population databases (gnomAD no frequency). This variant has not been reported in the literature in individuals affected with DSG1-related conditions. Advanced modeling of protein sequence and biophysical properties (such as structural, functional, and spatial information, amino acid conservation, physicochemical variation, residue mobility, and thermodynamic stability) performed at Invitae indicates that this missense variant is not expected to disrupt DSG1 protein function. In summary, the available evidence is currently insufficient to determine the role of this variant in disease. Therefore, it has been classified as a Variant of Uncertain Significance.

NM_001942.4(DSG1):c.1926G>A (p.Met642Ile)

Genes: DSG1 (desmoglein 1; plus strand), DSG1-AS1 (DSG1 antisense RNA 1; minus strand). Cytogenetic location: 18q12.1.
Variant type: single nucleotide variant.
Coding change: c.1926G>A on transcript NM_001942.4 (MANE Select); coding-DNA position 1926, G replaced by A.
Protein change: p.Met642Ile; replaces methionine 642 with isoleucine.
Molecular consequence: missense variant.
Genome position (GRCh38, 1-based): chr18:31,346,024, G>A. VCF-style: chr18-31346024-G-A. GRCh37 (hg19) VCF-style: chr18-28925987-G-A.
Other names: short protein forms M642I.
Identifiers: ClinVar variation 2092672 (VCV002092672.4), dbSNP rs2510839673, ClinGen allele CA402118645.